The following is an entry in ClinVar:

NM_001367624.2(ZNF469):c.1955A>C (p.Glu652Ala)

Gene: ZNF469 (zinc finger protein 469; plus strand). Cytogenetic location: 16q24.2.
Variant type: single nucleotide variant.
Coding change: c.1955A>C on transcript NM_001367624.2 (MANE Select); coding-DNA position 1955, A replaced by C.
Protein change: p.Glu652Ala; replaces glutamic acid 652 with alanine.
Molecular consequence: missense variant.
Genome position (GRCh38, 1-based): chr16:88,429,425, A>C. VCF-style: chr16-88429425-A-C. GRCh37 (hg19) VCF-style: chr16-88495833-A-C.
Other names: NM_001127464.1:c.1955A>C; short protein forms E652A.
Identifiers: ClinVar variation 3476222 (VCV003476222.1).

ClinVar aggregate classification (germline): Uncertain significance (1 of 4 stars; one submission).

Conditions:
Cardiovascular phenotype. Identifiers: MedGen CN230736.

Submission:

Ambry Genetics
Classification: Uncertain significance for Cardiovascular phenotype. Last evaluated: 2024-09-22. Review status: criteria provided, single submitter. Criteria: Ambry Variant Classification Scheme 2023. Collection method: clinical testing. Allele origin: germline.
Comment: The p.E652A variant (also known as c.1955A>C), located in coding exon 1 of the ZNF469 gene, results from an A to C substitution at nucleotide position 1955. The glutamic acid at codon 652 is replaced by alanine, an amino acid with dissimilar properties. This amino acid position is conserved. In addition, this alteration is predicted to be tolerated by in silico analysis. Based on the available evidence, the clinical significance of this variant remains unclear.